The following is an entry in ClinVar:

ClinVar aggregate classification (germline): Likely benign. Review status: criteria provided, multiple submitters, no conflicts (2 of 4 stars). 2 submissions from 2 submitters: Likely benign (2). Last evaluated 2026-07-14.

Conditions:
GNPTAB-Related Disorders. Also called: GNPTAB-related condition; GNPTAB-related disorder. Identifiers: MedGen CN381523.
Mucolipidosis type II. Also called: Mucolipidosis 2; ML 2; Inclusion cell disease; Leroy Disease; N-acetylglucosamine 1phosphotransferase deficiency; ML disorder type 2. Identifiers: Orphanet 576, MedGen C2673377, MONDO:0009650, OMIM 252500.
Pseudo-Hurler polydystrophy. Also called: MUCOLIPIDOSIS IIIA; ML IIIA; Mucolipidosis III Alpha/Beta; Type III Mucolipidosis; ML III; ML III ALPHA/BETA. Identifiers: Orphanet 423461, Orphanet 577, MedGen C0033788, MONDO:0018931, OMIM 252600.

Allele frequency attached by ClinVar (database versions not stated): gnomAD exomes 0.00002.
gnomAD v4.1: 36 of 1,613,886 alleles (0.0022%); highest among the groups gnomAD compares: South Asian, 0.015%; 1 homozygote.

Submissions (2):

PreventionGenetics, part of Exact Sciences
Classification: Likely benign for GNPTAB-related condition. Last evaluated: 2026-07-14. Review status: criteria provided, single submitter. Criteria: ACMG Guidelines, 2015. Collection method: clinical testing. Allele origin: germline.
Comment: This variant is classified as likely benign based on ACMG/AMP sequence variant interpretation guidelines (Richards et al. 2015 PMID: 25741868, with internal and published modifications).

Labcorp Genetics (formerly Invitae), Labcorp
Classification: Likely benign for Pseudo-Hurler polydystrophy; Mucolipidosis type II. Last evaluated: 2023-09-03. Review status: criteria provided, single submitter. Criteria: Invitae Variant Classification Sherloc (09022015). Collection method: clinical testing. Allele origin: germline.

NM_024312.5(GNPTAB):c.2613C>T (p.Gly871=)

Gene: GNPTAB (N-acetylglucosamine-1-phosphate transferase subunits alpha and beta; minus strand). Cytogenetic location: 12q23.2.
Variant type: single nucleotide variant.
Coding change: c.2613C>T on transcript NM_024312.5 (MANE Select); coding-DNA position 2613, C replaced by T.
Protein change: p.Gly871=; no amino-acid change (glycine 871 retained).
Molecular consequence: synonymous variant.
Genome position (GRCh38, 1-based): chr12:101,764,304, G>A on the plus strand (C>T on the coding strand, the complement: GNPTAB is on the minus strand). VCF-style: chr12-101764304-G-A. GRCh37 (hg19) VCF-style: chr12-102158082-G-A.
Other names: c.2613C>T (NM_024312.4).
Identifiers: ClinVar variation 1550833 (VCV001550833.9), dbSNP rs761030611, ClinGen allele CA6746403.